The following is an entry in ClinVar:

ClinVar aggregate classification (germline): Benign (1 of 4 stars; one submission).

Conditions:
Bilateral frontoparietal polymicrogyria. Also called: CEREBELLAR ATAXIA WITH NEURONAL MIGRATION DEFECT; CORTICAL DYSPLASIA, COMPLEX, WITH OTHER BRAIN MALFORMATIONS 14A (BILATERAL FRONTOPARIETAL). Identifiers: Orphanet 101070, MedGen C1847352, MONDO:0011738, OMIM 606854.

Allele frequency attached by ClinVar (database versions not stated): gnomAD exomes 0.00388; 1000 Genomes Project 0.01378; 1000 Genomes Project 30x 0.01452; gnomAD 0.01461 and 0.01563; TOPMed 0.01638.

Submission:

Illumina Laboratory Services, Illumina
Classification: Benign for Bilateral frontoparietal polymicrogyria. Last evaluated: 2018-01-13. Review status: criteria provided, single submitter. Criteria: ICSL Variant Classification Criteria 13 December 2019. Collection method: clinical testing. Allele origin: germline.
Comment: This variant was observed in the ICSL laboratory as part of a predisposition screen in an ostensibly healthy population. It had not been previously curated by ICSL or reported in the Human Gene Mutation Database (HGMD: prior to June 1st, 2018), and was therefore a candidate for classification through an automated scoring system. Utilizing variant allele frequency, disease prevalence and penetrance estimates, and inheritance mode, an automated score was calculated to assess if this variant is too frequent to cause the disease. Based on the score and internal cut-off values, a variant classified as benign is not then subjected to further curation. The score for this variant resulted in a classification of benign for this disease.

NM_201525.4(ADGRG1):c.*1069G>A

Gene: ADGRG1 (adhesion G protein-coupled receptor G1; plus strand). Cytogenetic location: 16q21.
Variant type: single nucleotide variant.
Coding change: c.*1069G>A on transcript NM_201525.4 (MANE Select); 1069 bases downstream of the stop codon, G replaced by A.
Molecular consequence: 3 prime UTR variant.
Genome position (GRCh38, 1-based): chr16:57,664,651, G>A. VCF-style: chr16-57664651-G-A. GRCh37 (hg19) VCF-style: chr16-57698563-G-A.
Other names: c.*1069G>A (NM_001145770.3, NM_001145771.3, NM_001145772.3 and 25 more transcripts).
Identifiers: ClinVar variation 885058 (VCV000885058.4), dbSNP rs114876561, ClinGen allele CA281584677.
Genomic context (GRCh38, chr16:57,664,651, plus strand): 5'-CCTGACACTCTCCTAAGAGGTTCTCTCCAAGCCCCCAAATAGCTCCAGGCGCCCTCGGCC[G>A]CCCATCATGGTTAATTCTGTCCAACAAACACACACGGGTAGATTGCTGGCCTGTTGTAGG-3'